The following is an entry in ClinVar:

ClinVar aggregate classification (germline): Uncertain significance (1 of 4 stars; one submission).

Conditions:
Mendelian susceptibility to mycobacterial diseases due to complete IL12RB1 deficiency. Also called: IL12RB1 DEFICIENCY; Immunodeficiency 30. Identifiers: Orphanet 319552, MedGen C4013949, MONDO:0013955, OMIM 614891.

Submission:

Labcorp Genetics (formerly Invitae), Labcorp
Classification: Uncertain significance for Mendelian susceptibility to mycobacterial diseases due to complete IL12RB1 deficiency. Last evaluated: 2021-01-14. Review status: criteria provided, single submitter. Criteria: Invitae Variant Classification Sherloc (09022015). Collection method: clinical testing. Allele origin: germline.
Comment: In summary, the available evidence is currently insufficient to determine the role of this variant in disease. Therefore, it has been classified as a Variant of Uncertain Significance. Experimental studies and prediction algorithms are not available or were not evaluated, and the functional significance of this variant is currently unknown. This variant has not been reported in the literature in individuals with IL12RB1-related conditions. This variant results in a copy number gain of the genomic region encompassing exon 13 of the IL12RB1 gene. While the exact position of this variant cannot be determined from this data, sub-genic copy number gains are generally in tandem (PMID: 25640679). This variant would be expected to be in-frame, preserving the integrity of the reading frame.

Literature cited by the submitters: PubMed 25640679.

NC_000019.9:g.(?_18174666)_(18174840_?)dup

Gene: IL12RB1 (interleukin 12 receptor subunit beta 1; minus strand). Cytogenetic location: 19p13.11.
Variant type: Duplication.
Identifiers: ClinVar variation 1047139 (VCV001047139.5).